The following is an entry in ClinVar:

ClinVar aggregate classification (germline): Uncertain significance. Review status: criteria provided, multiple submitters, no conflicts (2 of 4 stars). 2 submissions from 2 submitters: Uncertain significance (2). Last evaluated 2026-01-26.

Conditions:
Neuropathy, hereditary sensory and autonomic, type 2A (HSAN2A). Also called: WNK1-Related HSAN2 (HSAN2A); ACROOSTEOLYSIS, GIACCAI TYPE; ACROOSTEOLYSIS, NEUROGENIC; MORVAN DISEASE; NEUROPATHY, CONGENITAL SENSORY; NEUROPATHY, HEREDITARY SENSORY RADICULAR, AUTOSOMAL RECESSIVE. Identifiers: Orphanet 970, MedGen C2752089, MONDO:0024309, OMIM 201300.
Generalized epilepsy with febrile seizures plus, type 7 (GEFSP7). Also called: GEFS+, TYPE 7. Identifiers: Orphanet 36387, MedGen C2751778, MONDO:0013470, OMIM 613863.

Allele frequency attached by ClinVar (database versions not stated): ExAC 0.00002; gnomAD exomes 0.00003; gnomAD 0.00007 and 0.00009; TOPMed 0.00007; ESP Exome Variant Server 0.00008.
gnomAD v4.1: 85 of 1,582,796 alleles (0.0054%); highest among the groups gnomAD compares: Non-Finnish European, 0.0065%; no homozygotes.

Submissions (2):

Labcorp Genetics (formerly Invitae), Labcorp
Classification: Uncertain significance for Neuropathy, hereditary sensory and autonomic, type 2A; Generalized epilepsy with febrile seizures plus, type 7. Last evaluated: 2026-01-26. Review status: criteria provided, single submitter. Criteria: Invitae Variant Classification Sherloc (09022015). Collection method: clinical testing. Allele origin: germline.
Comment: This sequence change replaces cysteine, which is neutral and slightly polar, with tyrosine, which is neutral and polar, at codon 699 of the SCN9A protein (p.Cys699Tyr). This variant is present in population databases (rs201709980, gnomAD 0.006%). This missense change has been observed in individual(s) with clinical features of SCN9A-related conditions (PMID: 19763161; internal data). ClinVar contains an entry for this variant (Variation ID: 408580). Invitae Evidence Modeling of protein sequence and biophysical properties (such as structural, functional, and spatial information, amino acid conservation, physicochemical variation, residue mobility, and thermodynamic stability) indicates that this missense variant is not expected to disrupt SCN9A protein function with a negative predictive value of 95%. In summary, the available evidence is currently insufficient to determine the role of this variant in disease. Therefore, it has been classified as a Variant of Uncertain Significance.

Centre for Mendelian Genomics, University Medical Centre Ljubljana
Classification: Uncertain significance for Neuropathy, hereditary sensory and autonomic, type 2A. Last evaluated: 2016-01-01. Review status: criteria provided, single submitter. Criteria: ACMG Guidelines, 2015. Collection method: clinical testing. Allele origin: unknown. Affected: yes.
Comment: This variant was classified as: Uncertain significance. The following ACMG criteria were applied in classifying this variant: PP3,PP4,PP5.

Literature cited by the submitters: PubMed 19763161 (cited by Labcorp Genetics (formerly Invitae), Labcorp).

NM_001365536.1(SCN9A):c.2129G>A (p.Cys710Tyr)

Genes: SCN9A (sodium voltage-gated channel alpha subunit 9; minus strand), SCN1A-AS1 (SCN1A and SCN9A antisense RNA 1; plus strand). Cytogenetic location: 2q24.3.
Variant type: single nucleotide variant.
Coding change: c.2129G>A on transcript NM_001365536.1 (MANE Select); coding-DNA position 2129, G replaced by A.
Protein change: p.Cys710Tyr; replaces cysteine 710 with tyrosine.
Molecular consequence: missense variant.
Genome position (GRCh38, 1-based): chr2:166,280,571, C>T on the plus strand (G>A on the coding strand, the complement: SCN9A is on the minus strand). VCF-style: chr2-166280571-C-T. GRCh37 (hg19) VCF-style: chr2-167137081-C-T.
Other names: c.2096G>A, p.Cys699Tyr (NM_002977.4); short protein forms C699Y, C710Y.
Identifiers: ClinVar variation 408580 (VCV000408580.13), dbSNP rs201709980, ClinGen allele CA1944324.